The following is an entry in ClinVar:

NM_001042492.3(NF1):c.8205_8214del (p.Asp2736fs)

Gene: NF1 (neurofibromin 1; plus strand). Cytogenetic location: 17q11.2.
Variant type: Deletion.
Coding change: c.8205_8214del on transcript NM_001042492.3 (MANE Select); coding-DNA positions 8205 to 8214, 10 bases deleted (TGATGCCTTG; older notation c.8205_8214delTGATGCCTTG).
Protein change: p.Asp2736fs; shifts the reading frame from aspartic acid 2736.
Molecular consequence: frameshift variant.
Genome position (GRCh38, 1-based): chr17:31,360,531-31,360,540, TGATGCCTTG deleted. VCF-style (leftmost placement, unchanged base first): chr17-31360530-TTGATGCCTTG-T. GRCh37 (hg19) VCF-style: chr17-29687548-TTGATGCCTTG-T.
Other names: c.8142_8151delTGATGCCTTG, p.Asp2715Leufs (NM_000267.4); c.8142_8151delTGATGCCTTG (NM_000267.3); short protein forms D2715fs, D2736fs.
Identifiers: ClinVar variation 660162 (VCV000660162.5), dbSNP rs1597870141, ClinGen allele CA915949943.

ClinVar aggregate classification (germline): Pathogenic (1 of 4 stars; one submission).

Conditions:
Neurofibromatosis, type 1 (NF1). Also called: VON RECKLINGHAUSEN DISEASE; NEUROFIBROMATOSIS, TYPE I, SOMATIC; Peripheral type neurofibromatosis; Neurofibromatosis, type I. Identifiers: Orphanet 636, MedGen C0027831, MONDO:0018975, OMIM 162200. Disease mechanism: loss of function.

Submission:

Labcorp Genetics (formerly Invitae), Labcorp
Classification: Pathogenic for Neurofibromatosis, type 1. Last evaluated: 2018-08-27. Review status: criteria provided, single submitter. Criteria: Invitae Variant Classification Sherloc (09022015). Collection method: clinical testing. Allele origin: germline.
Comment: For these reasons, this variant has been classified as Pathogenic. Loss-of-function variants in NF1 are known to be pathogenic (PMID: 10712197, 23913538). This sequence change creates a premature translational stop signal (p.Asp2715Leufs*18) in the NF1 gene. It is expected to result in an absent or disrupted protein product. This variant is not present in population databases (ExAC no frequency). This variant has not been reported in the literature in individuals with NF1-related disease.

Literature cited by the submitters: PubMed 10712197; PubMed 23913538.